The following is an entry in ClinVar:

NM_024577.4(SH3TC2):c.3371C>T (p.Thr1124Ile)

Gene: SH3TC2 (SH3 domain and tetratricopeptide repeats 2; minus strand). Cytogenetic location: 5q32.
Variant type: single nucleotide variant.
Coding change: c.3371C>T on transcript NM_024577.4 (MANE Select); coding-DNA position 3371, C replaced by T.
Protein change: p.Thr1124Ile; replaces threonine 1124 with isoleucine.
Molecular consequence: missense variant.
Genome position (GRCh38, 1-based): chr5:149,008,958, G>A on the plus strand (C>T on the coding strand, the complement: SH3TC2 is on the minus strand). VCF-style: chr5-149008958-G-A. GRCh37 (hg19) VCF-style: chr5-148388521-G-A.
Other names: short protein forms T1124I.
Identifiers: ClinVar variation 642820 (VCV000642820.8), dbSNP rs752094727, ClinGen allele CA128997632.
Genomic context (GRCh38, chr5:149,008,958, plus strand): 5'-TTCTCATAGCCTTCGAGGCTAATCTGCAGCTCTGTCAGCTTATTGAAAATCCGGAGCTCA[G>A]TTCTCACCGCCTTCAACCTCCTTGCTAAAGGAACAGCTCCAGCCTAGGAACAGAAGCCCA-3'
Protein context (NP_078853.2, residues 1114-1134): PLARRLKAVR[Thr1124Ile]ELRIFNKLTE

ClinVar aggregate classification (germline): Uncertain significance (1 of 4 stars; one submission).

Conditions:
Charcot-Marie-Tooth disease type 4. Also called: Charcot-Marie-Tooth disease, type IV; Charcot-Marie-Tooth, Type 4. Identifiers: Orphanet 64749, MedGen C4082197, MONDO:0018995.

Allele frequency attached by ClinVar (database versions not stated): gnomAD exomes below 0.00001; TOPMed below 0.00001.
gnomAD v4.1: 6 of 1,614,202 alleles (0.00037%); highest among the groups gnomAD compares: Non-Finnish European, 0.00051%; no homozygotes.

Submission:

Labcorp Genetics (formerly Invitae), Labcorp
Classification: Uncertain significance for Charcot-Marie-Tooth disease type 4. Last evaluated: 2018-11-27. Review status: criteria provided, single submitter. Criteria: Invitae Variant Classification Sherloc (09022015). Collection method: clinical testing. Allele origin: germline.
Comment: In summary, the available evidence is currently insufficient to determine the role of this variant in disease. Therefore, it has been classified as a Variant of Uncertain Significance. Algorithms developed to predict the effect of missense changes on protein structure and function output the following: SIFT: "Deleterious"; PolyPhen-2: "Benign"; Align-GVGD: "Class C15". The isoleucine amino acid residue is found in multiple mammalian species, suggesting that this missense change does not adversely affect protein function. These predictions have not been confirmed by published functional studies and their clinical significance is uncertain. This variant has not been reported in the literature in individuals with SH3TC2-related conditions. This variant is not present in population databases (ExAC no frequency). This sequence change replaces threonine with isoleucine at codon 1124 of the SH3TC2 protein (p.Thr1124Ile). The threonine residue is moderately conserved and there is a moderate physicochemical difference between threonine and isoleucine.